The following is an entry in ClinVar:

ClinVar aggregate classification (germline): Uncertain significance (1 of 4 stars; one submission).

Allele frequency attached by ClinVar (database versions not stated): gnomAD 0.00001 and 0.00002.

Submission:

GeneDx
Classification: Uncertain significance. Last evaluated: 2016-12-19. Review status: criteria provided, single submitter. Criteria: GeneDx Variant Classification (06012015). Collection method: clinical testing. Allele origin: germline. Affected: yes.
Comment: The E15A variant in the FOXH1 gene has not been reported previously as a pathogenic variant, nor as a benign variant, to our knowledge. The E15A variant was not observed in approximately 6300 individuals of European and African American ancestry in the NHLBI Exome Sequencing Project, indicating it is not a common benign variant in these populations. The E15A variant is a non-conservative amino acid substitution, which is likely to impact secondary protein structure as these residues differ in polarity, charge, size and/or other properties. This substitution occurs at a position where amino acids with similar properties to Glutamic acid are tolerated across species. In silico analysis is inconsistent in its predictions as to whether or not the variant is damaging to the protein structure/function. We interpret E15A as a variant of uncertain significance, which may be related to the reported congenital heart defects in this individual.

NM_003923.3(FOXH1):c.44A>C (p.Glu15Ala)

Gene: FOXH1 (forkhead box H1; minus strand). Cytogenetic location: 8q24.3.
Variant type: single nucleotide variant.
Coding change: c.44A>C on transcript NM_003923.3 (MANE Select); coding-DNA position 44, A replaced by C.
Protein change: p.Glu15Ala; replaces glutamic acid 15 with alanine.
Molecular consequence: missense variant.
Genome position (GRCh38, 1-based): chr8:144,475,713, T>G on the plus strand (A>C on the coding strand, the complement: FOXH1 is on the minus strand). VCF-style: chr8-144475713-T-G. GRCh37 (hg19) VCF-style: chr8-145701096-T-G.
Other names: short protein forms E15A.
Identifiers: ClinVar variation 391567 (VCV000391567.2), dbSNP rs781140141, ClinGen allele CA16605464.
Genomic context (GRCh38, chr8:144,475,713, plus strand): 5'-GGGGGCTTGTCATGTCGCAGGTACCTCTTCTTCCTCCTCTTAGGGGGCTGGGAGGGCGAC[T>G]CTGCCTCTGGGGGCCCCAGGCGGGAGCCGCTGCAGGGCCCCATGCGGGACGGTAGACAGC-3'
Protein context (NP_003914.1, residues 5-25): SGSRLGPPEA[Glu15Ala]SPSQPPKRRK